The following is an entry in ClinVar:

ClinVar aggregate classification (germline): Likely benign. Review status: criteria provided, multiple submitters, no conflicts (2 of 4 stars). 3 submissions from 3 submitters: Likely benign (3). Last evaluated 2025-04-28.

Conditions:
Cardiovascular phenotype. Identifiers: MedGen CN230736.
Dilated cardiomyopathy 1G (CMD1G). Identifiers: Orphanet 154, MedGen C1858763, MONDO:0011400, OMIM 604145.
Autosomal recessive limb-girdle muscular dystrophy type 2J (LGMDR10). Also called: Limb-girdle muscular dystrophy, type 2J; MUSCULAR DYSTROPHY, LIMB-GIRDLE, AUTOSOMAL RECESSIVE 10. Identifiers: Orphanet 140922, MedGen C1837342, MONDO:0012127, OMIM 608807.

Allele frequency attached by ClinVar (database versions not stated): gnomAD exomes below 0.00001; ExAC 0.00001; gnomAD 0.00001; TOPMed 0.00001.
gnomAD v4.1: 6 of 1,613,462 alleles (0.00037%); highest among the groups gnomAD compares: African/African-American, 0.0027%; no homozygotes.

Submissions (3):

Labcorp Genetics (formerly Invitae), Labcorp
Classification: Likely benign for Dilated cardiomyopathy 1G; Autosomal recessive limb-girdle muscular dystrophy type 2J. Last evaluated: 2025-04-28. Review status: criteria provided, single submitter. Criteria: Invitae Variant Classification Sherloc (09022015). Collection method: clinical testing. Allele origin: germline.

Ambry Genetics
Classification: Likely benign for Cardiovascular phenotype. Last evaluated: 2023-07-27. Review status: criteria provided, single submitter. Criteria: Ambry Variant Classification Scheme 2023. Collection method: clinical testing. Allele origin: germline.

Laboratory for Molecular Medicine, Mass General Brigham Personalized Medicine
Classification: Likely benign. Last evaluated: 2012-02-09. Review status: criteria provided, single submitter. Criteria: LMM Criteria. Collection method: clinical testing. Allele origin: germline. Observed: 1 variant allele.
Comment: Leu27879Leu in exon 285 of TTN: This variant is not expected to have clinical si gnificance because it does not alter an amino acid residue and is not located wi thin the splice consensus sequence. Leu27879Leu in exon 285 of TTN (allele freq uency = n/a)

NM_001267550.2(TTN):c.91339T>C (p.Leu30447=)

Genes: TTN-AS1 (TTN antisense RNA 1; plus strand), TTN (titin; minus strand). Cytogenetic location: 2q31.2.
Variant type: single nucleotide variant.
Coding change: c.91339T>C on transcript NM_001267550.2 (MANE Select); coding-DNA position 91339, T replaced by C.
Protein change: p.Leu30447=; no amino-acid change (leucine 30447 retained).
Molecular consequence: synonymous variant.
Genome position (GRCh38, 1-based): chr2:178,551,192, A>G on the plus strand (T>C on the coding strand, the complement: TTN is on the minus strand). VCF-style: chr2-178551192-A-G. GRCh37 (hg19) VCF-style: chr2-179415919-A-G.
Other names: c.86416T>C, p.Leu28806= (NM_001256850.1); c.64144T>C, p.Leu21382= (NM_003319.4); c.64519T>C, p.Leu21507= (NM_133432.3); c.64720T>C, p.Leu21574= (NM_133437.4); c.83635T>C, p.Leu27879= (NM_133378.4).
Identifiers: ClinVar variation 47506 (VCV000047506.8), dbSNP rs397517753, ClinGen allele CA141210.